The following is an entry in ClinVar:

NM_000435.3(NOTCH3):c.601T>G (p.Cys201Gly)

Gene: NOTCH3 (notch receptor 3; minus strand). Cytogenetic location: 19p13.12.
Variant type: single nucleotide variant.
Coding change: c.601T>G on transcript NM_000435.3 (MANE Select); coding-DNA position 601, T replaced by G.
Protein change: p.Cys201Gly; replaces cysteine 201 with glycine.
Molecular consequence: missense variant.
Genome position (GRCh38, 1-based): chr19:15,192,038, A>C on the plus strand (T>G on the coding strand, the complement: NOTCH3 is on the minus strand). VCF-style: chr19-15192038-A-C. GRCh37 (hg19) VCF-style: chr19-15302849-A-C.
Other names: c.601T>G (NM_000435.2); short protein forms C201G.
Identifiers: ClinVar variation 811362 (VCV000811362.9), dbSNP rs1599394654, ClinGen allele CA404533381.

ClinVar aggregate classification (germline): Likely pathogenic. Review status: criteria provided, single submitter (1 of 4 stars). 2 submissions from 2 submitters: Likely pathogenic (1). 1 of the submissions does not count toward it. Last evaluated 2019-05-29.

Conditions:
NOTCH3-related disorder. Also called: NOTCH3-related condition; NOTCH3-related disorders.

Submissions (2):

ARUP Laboratories, Molecular Genetics and Genomics, ARUP Laboratories
Classification: Likely pathogenic. Last evaluated: 2019-05-29. Review status: criteria provided, single submitter. Criteria: ARUP Molecular Germline Variant Investigation Process. Collection method: clinical testing. Allele origin: germline.
Comment: The NOTCH3 c.601T>G; p.Cys201Gly variant, to our knowledge, is not reported in the medical literature or gene-specific databases. However, two other amino acid substitutions at this codon (p.Cys201Arg , p.Cys201Tyr) have been reported in individuals with CADASIL and are considered pathogenic (Opherk 2004, Uyguner 2006). The p.Cys201Gly variant is absent from general population databases (Exome Variant Server, Genome Aggregation Database), indicating it is not a common polymorphism. The cysteine at codon 201 is highly conserved, and computational analyses (SIFT, PolyPhen-2) predict that this variant is deleterious. The vast majority of causative missense variants identified in individuals with CADASIL either create or remove EGF domain cysteine residues, as these are involved in the formation of disulfide bridges critical to protein folding (Dichgans 2000, Joutel 1997). Based on available information, the p.Cys201Gly variant is considered to be likely pathogenic. References: Dichgans M et al. Small in-frame deletions and missense mutations in CADASIL: 3D models predict misfolding of Notch3 EGF-like repeat domains. Eur J Hum Genet. 2000 Apr;8(4):280-5. Joutel A et al. Strong clustering and stereotyped nature of Notch3 mutations in CADASIL patients. Lancet. 1997 Nov 22;350(9090):1511-5. Opherk C et al. Long-term prognosis and causes of death in CADASIL: a retrospective study in 411 patients. Brain. 2004 Nov;127(Pt 11):2533-9. Uyguner ZO et al. The R110C mutation in Notch3 causes variable clinical features in two Turkish families with CADASIL syndrome. J Neurol Sci. 2006 Jul 15;246(1-2):123-30.

PreventionGenetics, part of Exact Sciences
Classification: Uncertain significance for NOTCH3-related condition. Last evaluated: 2024-09-10. Review status: no assertion criteria provided. Collection method: clinical testing. Allele origin: germline. Not counted in ClinVar's aggregate classification.
Comment: The NOTCH3 c.601T>G variant is predicted to result in the amino acid substitution p.Cys201Gly. To our knowledge, this variant has not been reported in the literature or in a large population database, indicating this variant is rare. At this time, the clinical significance of this variant is uncertain due to the absence of conclusive functional and genetic evidence.